The following is an entry in ClinVar:

NM_001035.3(RYR2):c.49G>A (p.Asp17Asn)

Gene: RYR2 (ryanodine receptor 2; plus strand). Cytogenetic location: 1q43.
Variant type: single nucleotide variant.
Coding change: c.49G>A on transcript NM_001035.3 (MANE Select); coding-DNA position 49, G replaced by A.
Protein change: p.Asp17Asn; replaces aspartic acid 17 with asparagine.
Molecular consequence: missense variant.
Genome position (GRCh38, 1-based): chr1:237,270,497, G>A. VCF-style: chr1-237270497-G-A. GRCh37 (hg19) VCF-style: chr1-237433797-G-A.
Other names: short protein forms D17N.
Identifiers: ClinVar variation 1321002 (VCV001321002.5), dbSNP rs370488091, ClinGen allele CA086815.

ClinVar aggregate classification (germline): Uncertain significance. Review status: criteria provided, multiple submitters, no conflicts (2 of 4 stars). 4 submissions from 4 submitters: Uncertain significance (4). Last evaluated 2026-06-20.

Conditions:
Cardiovascular phenotype. Identifiers: MedGen CN230736.
Catecholaminergic polymorphic ventricular tachycardia (CVPT). Also called: Catecholamine-induced polymorphic ventricular tachycardia. Identifiers: Orphanet 3286, MedGen C5574922, MONDO:0017990.
Catecholaminergic polymorphic ventricular tachycardia 1. Also called: RYR2-Related Catecholaminergic Polymorphic Ventricular Tachycardia; VENTRICULAR TACHYCARDIA, STRESS-INDUCED POLYMORPHIC 1; VENTRICULAR TACHYCARDIA, CATECHOLAMINERGIC POLYMORPHIC, 1, WITH OR WITHOUT ATRIAL DYSFUNCTION AND/OR DILATED CARDIOMYOPATHY. Identifiers: Orphanet 3286, MedGen C1631597, MONDO:0011484, OMIM 604772.

Allele frequency attached by ClinVar (database versions not stated): gnomAD 0.00001; TOPMed 0.00001; ExAC 0.00003; ESP Exome Variant Server 0.00008; gnomAD exomes 0.00003.
gnomAD v4.1: 19 of 1,575,768 alleles (0.0012%); highest among the groups gnomAD compares: South Asian, 0.02%; no homozygotes.

Submissions (4):

Ambry Genetics
Classification: Uncertain significance for Cardiovascular phenotype. Last evaluated: 2026-06-20. Review status: criteria provided, single submitter. Criteria: Ambry Variant Classification Scheme 2023. Collection method: clinical testing. Allele origin: germline.
Comment: The p.D17N variant (also known as c.49G>A) is located in coding exon 2 of the RYR2 gene. The aspartic acid at codon 17 is replaced by asparagine, an amino acid with highly similar properties. This change occurs in the first base pair of coding exon 2. This amino acid position is conserved. In addition, the in silico prediction for this alteration is inconclusive. Based on the available evidence, the clinical significance of this variant remains unclear.

Labcorp Genetics (formerly Invitae), Labcorp
Classification: Uncertain significance for Catecholaminergic polymorphic ventricular tachycardia 1. Last evaluated: 2025-03-16. Review status: criteria provided, single submitter. Criteria: Invitae Variant Classification Sherloc (09022015). Collection method: clinical testing. Allele origin: germline.
Comment: This sequence change replaces aspartic acid, which is acidic and polar, with asparagine, which is neutral and polar, at codon 17 of the RYR2 protein (p.Asp17Asn). This variant is present in population databases (rs370488091, gnomAD 0.02%). This variant has not been reported in the literature in individuals affected with RYR2-related conditions. ClinVar contains an entry for this variant (Variation ID: 1321002). An algorithm developed to predict the effect of missense changes on protein structure and function (PolyPhen-2) suggests that this variant is likely to be disruptive. In summary, the available evidence is currently insufficient to determine the role of this variant in disease. Therefore, it has been classified as a Variant of Uncertain Significance.

All of Us Research Program, National Institutes of Health
Classification: Uncertain significance for Catecholaminergic polymorphic ventricular tachycardia. Last evaluated: 2023-10-06. Review status: criteria provided, single submitter. Criteria: ACMG Guidelines, 2015. Collection method: clinical testing. Allele origin: germline. Inheritance: Autosomal dominant inheritance. Observed: 1 variant allele, 1 heterozygote.
Comment: This missense variant replaces aspartic acid with asparagine at codon 17 of the RYR2 protein. Computational prediction is inconclusive regarding the impact of this variant on protein structure and function (internally defined REVEL score threshold 0.5 < inconclusive < 0.7, PMID: 27666373). To our knowledge, functional studies have not been reported for this variant. This variant has not been reported in individuals affected with RYR2-related disorders in the literature. This variant has been identified in 5/193588 chromosomes in the general population by the Genome Aggregation Database (gnomAD). The available evidence is insufficient to determine the role of this variant in disease conclusively. Therefore, this variant is classified as a Variant of Uncertain Significance.

This study involves interpretation of variants in research participants for the purpose of population health screening. Participant phenotype was not available at the time of variant classification. Additional details can be found in publication PMID: 35346344, PMCID: PMC8962531

GeneDx
Classification: Uncertain significance. Last evaluated: 2017-09-28. Review status: criteria provided, single submitter. Criteria: GeneDx Variant Classification Process June 2021. Collection method: clinical testing. Allele origin: germline. Affected: yes.